The following is an entry in ClinVar:

NM_001099287.2(NIPAL4):c.851G>C (p.Arg284Thr)

Gene: NIPAL4 (NIPA like domain containing 4; plus strand). Cytogenetic location: 5q33.3.
Variant type: single nucleotide variant.
Coding change: c.851G>C on transcript NM_001099287.2 (MANE Select); coding-DNA position 851, G replaced by C.
Protein change: p.Arg284Thr; replaces arginine 284 with threonine.
Molecular consequence: missense variant.
Genome position (GRCh38, 1-based): chr5:157,472,596, G>C. VCF-style: chr5-157472596-G-C. GRCh37 (hg19) VCF-style: chr5-156899604-G-C.
Other names: c.794G>C, p.Arg265Thr (NM_001172292.2); short protein forms R265T, R327T, R284T.
Identifiers: ClinVar variation 1994482 (VCV001994482.4), dbSNP rs866858235, ClinGen allele CA361974092.

ClinVar aggregate classification (germline): Uncertain significance (1 of 4 stars; one submission).

Submission:

Labcorp Genetics (formerly Invitae), Labcorp
Classification: Uncertain significance. Last evaluated: 2022-05-14. Review status: criteria provided, single submitter. Criteria: Invitae Variant Classification Sherloc (09022015). Collection method: clinical testing. Allele origin: germline.
Comment: This variant is not present in population databases (gnomAD no frequency). This sequence change replaces arginine, which is basic and polar, with threonine, which is neutral and polar, at codon 346 of the NIPAL4 protein (p.Arg346Thr). This variant has not been reported in the literature in individuals affected with NIPAL4-related conditions. In summary, the available evidence is currently insufficient to determine the role of this variant in disease. Therefore, it has been classified as a Variant of Uncertain Significance. Algorithms developed to predict the effect of missense changes on protein structure and function (SIFT, PolyPhen-2, Align-GVGD) all suggest that this variant is likely to be disruptive.